The following is an entry in ClinVar:

ClinVar aggregate classification (germline): Uncertain significance (1 of 4 stars; one submission).

Conditions:
Pitt-Hopkins syndrome (PTHS). Also called: ENCEPHALOPATHY, SEVERE EPILEPTIC, WITH AUTONOMIC DYSFUNCTION; MENTAL RETARDATION, SYNDROMAL, WITH INTERMITTENT HYPERVENTILATION. Identifiers: Orphanet 2896, MedGen C1970431, MONDO:0012589, OMIM 610954.

Allele frequency attached by ClinVar (database versions not stated): gnomAD exomes below 0.00001.
gnomAD v4.1: 5 of 1,613,304 alleles (0.00031%); highest among the groups gnomAD compares: Middle Eastern, 0.017%; no homozygotes.

Submission:

Labcorp Genetics (formerly Invitae), Labcorp
Classification: Uncertain significance for Pitt-Hopkins syndrome. Last evaluated: 2023-07-31. Review status: criteria provided, single submitter. Criteria: Invitae Variant Classification Sherloc (09022015). Collection method: clinical testing. Allele origin: germline.
Comment: In summary, the available evidence is currently insufficient to determine the role of this variant in disease. Therefore, it has been classified as a Variant of Uncertain Significance. This sequence change replaces arginine, which is basic and polar, with tryptophan, which is neutral and slightly polar, at codon 401 of the TCF4 protein (p.Arg401Trp). This variant is present in population databases (no rsID available, gnomAD 0.0009%). This variant has not been reported in the literature in individuals affected with TCF4-related conditions. ClinVar contains an entry for this variant (Variation ID: 1041938). Advanced modeling of protein sequence and biophysical properties (such as structural, functional, and spatial information, amino acid conservation, physicochemical variation, residue mobility, and thermodynamic stability) has been performed at Invitae for this missense variant, however the output from this modeling did not meet the statistical confidence thresholds required to predict the impact of this variant on TCF4 protein function.

NM_001083962.2(TCF4):c.1201C>T (p.Arg401Trp)

Gene: TCF4 (transcription factor 4; minus strand). Cytogenetic location: 18q21.2.
Variant type: single nucleotide variant.
Coding change: c.1201C>T on transcript NM_001083962.2 (MANE Select); coding-DNA position 1201, C replaced by T.
Protein change: p.Arg401Trp; replaces arginine 401 with tryptophan.
Molecular consequence: missense variant.
Genome position (GRCh38, 1-based): chr18:55,254,646, G>A on the plus strand (C>T on the coding strand, the complement: TCF4 is on the minus strand). VCF-style: chr18-55254646-G-A. GRCh37 (hg19) VCF-style: chr18-52921877-G-A.
Other names: c.721C>T, p.Arg241Trp (NM_001348216.2, NM_001243234.2, NM_001243235.2 and 1 more transcripts); c.1129C>T, p.Arg377Trp (NM_001348217.1, NM_001348218.2, NM_001348219.2 and 5 more transcripts); c.1126C>T, p.Arg376Trp (NM_001348220.1, NM_001369581.1, NM_001369584.1 and 6 more transcripts); c.1201C>T, p.Arg401Trp (NM_001369567.1, NM_001369568.1, NM_003199.3 and 2 more transcripts); c.1198C>T, p.Arg400Trp (NM_001369569.1, NM_001369570.1, NM_001330604.3 and 2 more transcripts); c.1132C>T, p.Arg378Trp (NM_001369586.1); c.1507C>T, p.Arg503Trp (NM_001243226.3); c.1219C>T, p.Arg407Trp (NM_001243228.2); and 6 more; short protein forms R240W, R241W, R330W, R376W, R407W, R271W, R377W, R378W.
Identifiers: ClinVar variation 1041938 (VCV001041938.8), dbSNP rs1337772395, ClinGen allele CA402533749.